The following is an entry in ClinVar:

NM_001379500.1(COL18A1):c.2203G>C (p.Ala735Pro)

Gene: COL18A1 (collagen type XVIII alpha 1 chain; plus strand). Cytogenetic location: 21q22.3.
Variant type: single nucleotide variant.
Coding change: c.2203G>C on transcript NM_001379500.1 (MANE Select); coding-DNA position 2203, G replaced by C.
Protein change: p.Ala735Pro; replaces alanine 735 with proline.
Molecular consequence: missense variant.
Genome position (GRCh38, 1-based): chr21:45,492,702, G>C. VCF-style: chr21-45492702-G-C. GRCh37 (hg19) VCF-style: chr21-46912616-G-C.
Other names: NM_130445.2:c.2203G>C; c.2743G>C, p.Ala915Pro (NM_030582.4); c.3448G>C, p.Ala1150Pro (NM_130444.3); c.2743G>C (NM_030582.3); short protein forms A915P, A1150P, A735P.
Identifiers: ClinVar variation 2071818 (VCV002071818.4), dbSNP rs372137898, ClinGen allele CA10066918.

ClinVar aggregate classification (germline): Uncertain significance. Review status: criteria provided, multiple submitters, no conflicts (2 of 4 stars). 4 submissions from 4 submitters: Uncertain significance (4). Last evaluated 2025-08-14.

Conditions:
COL18A1-related disorder. Also called: COL18A1-related condition; COL18A1-related disorders.
Inborn genetic diseases. Identifiers: MedGen C0950123, MeSH D030342.

Allele frequency attached by ClinVar (database versions not stated): ESP Exome Variant Server 0.00016.
gnomAD v4.1: 75 of 1,609,204 alleles (0.0047%); highest among the groups gnomAD compares: African/African-American, 0.08%; 1 homozygote.

Submissions (4):

PreventionGenetics, part of Exact Sciences
Classification: Uncertain significance for COL18A1-related condition. Last evaluated: 2025-08-14. Review status: criteria provided, single submitter. Criteria: ACMG Guidelines, 2015. Collection method: clinical testing. Allele origin: germline.
Comment: The COL18A1 c.2743G>C variant is predicted to result in the amino acid substitution p.Ala915Pro. To our knowledge, this variant has not been reported in the literature. This variant is reported in 0.076% of alleles in individuals of African descent in gnomAD. Although we suspect that this variant may be benign, at this time, the clinical significance of this variant is uncertain due to the absence of conclusive functional and genetic evidence.

Ambry Genetics
Classification: Uncertain significance for Inborn genetic diseases. Last evaluated: 2024-07-30. Review status: criteria provided, single submitter. Criteria: Ambry Variant Classification Scheme 2023. Collection method: clinical testing. Allele origin: germline.

Blueprint Genetics
Classification: Uncertain significance. Last evaluated: 2024-03-19. Review status: criteria provided, single submitter. Criteria: ACMG Guidelines, 2015. Collection method: clinical testing. Allele origin: germline.

Labcorp Genetics (formerly Invitae), Labcorp
Classification: Uncertain significance. Last evaluated: 2022-09-13. Review status: criteria provided, single submitter. Criteria: Invitae Variant Classification Sherloc (09022015). Collection method: clinical testing. Allele origin: germline.
Comment: This sequence change replaces alanine, which is neutral and non-polar, with proline, which is neutral and non-polar, at codon 735 of the COL18A1 protein (p.Ala735Pro). This variant is present in population databases (rs372137898, gnomAD 0.08%). This variant has not been reported in the literature in individuals affected with COL18A1-related conditions. Experimental studies and prediction algorithms are not available or were not evaluated, and the functional significance of this variant is currently unknown. In summary, the available evidence is currently insufficient to determine the role of this variant in disease. Therefore, it has been classified as a Variant of Uncertain Significance.